The following is an entry in ClinVar:

ClinVar aggregate classification (germline): Uncertain significance (1 of 4 stars; one submission).

Conditions:
Bethlem myopathy 1A. Also called: Bethlem myopathy 1; MYOPATHY, BENIGN CONGENITAL, WITH CONTRACTURES; Bethlem Muscular Dystrophy. Identifiers: Orphanet 610, MedGen CN029274, MONDO:0024530, OMIM 158810.

Allele frequency attached by ClinVar (database versions not stated): gnomAD 0.00001.
gnomAD v4.1: 6 of 1,606,672 alleles (0.00037%); highest among the groups gnomAD compares: East Asian, 0.0022%; no homozygotes.

Submission:

Labcorp Genetics (formerly Invitae), Labcorp
Classification: Uncertain significance for Bethlem myopathy 1A. Last evaluated: 2023-10-31. Review status: criteria provided, single submitter. Criteria: Invitae Variant Classification Sherloc (09022015). Collection method: clinical testing. Allele origin: germline.
Comment: This sequence change replaces glycine, which is neutral and non-polar, with valine, which is neutral and non-polar, at codon 991 of the COL6A2 protein (p.Gly991Val). The frequency data for this variant in the population databases is considered unreliable, as metrics indicate poor data quality at this position in the gnomAD database. This variant has not been reported in the literature in individuals affected with COL6A2-related conditions. Advanced modeling of protein sequence and biophysical properties (such as structural, functional, and spatial information, amino acid conservation, physicochemical variation, residue mobility, and thermodynamic stability) performed at Invitae indicates that this missense variant is not expected to disrupt COL6A2 protein function with a negative predictive value of 80%. In summary, the available evidence is currently insufficient to determine the role of this variant in disease. Therefore, it has been classified as a Variant of Uncertain Significance.

NM_001849.4(COL6A2):c.2972G>T (p.Gly991Val)

Gene: COL6A2 (collagen type VI alpha 2 chain; plus strand). Cytogenetic location: 21q22.3.
Variant type: single nucleotide variant.
Coding change: c.2972G>T on transcript NM_001849.4 (MANE Select); coding-DNA position 2972, G replaced by T.
Protein change: p.Gly991Val; replaces glycine 991 with valine.
Molecular consequence: missense variant.
Genome position (GRCh38, 1-based): chr21:46,132,464, G>T. VCF-style: chr21-46132464-G-T. GRCh37 (hg19) VCF-style: chr21-47552378-G-T.
Other names: short protein forms G991V.
Identifiers: ClinVar variation 2882704 (VCV002882704.3), dbSNP rs779952528, ClinGen allele CA10073120.